The following is an entry in ClinVar:

NM_012309.5(SHANK2):c.411+5A>G

Gene: SHANK2 (SH3 and multiple ankyrin repeat domains 2; minus strand). Cytogenetic location: 11q13.4.
Variant type: single nucleotide variant.
Coding change: c.411+5A>G on transcript NM_012309.5 (MANE Select); 5 bases into the intron after coding-DNA position 411, A replaced by G.
Molecular consequence: intron variant.
Genome position (GRCh38, 1-based): chr11:71,118,824, T>C on the plus strand (A>G on the coding strand, the complement: SHANK2 is on the minus strand). VCF-style: chr11-71118824-T-C. GRCh37 (hg19) VCF-style: chr11-70829870-T-C.
Identifiers: ClinVar variation 3058376 (VCV003058376.2), dbSNP rs1453448675, ClinGen allele CA679847483.

ClinVar aggregate classification (germline): Likely benign (0 of 4 stars; one submission).

Conditions:
SHANK2-related disorder.

Allele frequency attached by ClinVar (database versions not stated): TOPMed below 0.00001.

Submission:

PreventionGenetics, part of Exact Sciences
Classification: Likely benign for SHANK2-related condition. Last evaluated: 2019-03-22. Review status: no assertion criteria provided. Collection method: clinical testing. Allele origin: germline.
Comment: This variant is classified as likely benign based on ACMG/AMP sequence variant interpretation guidelines (Richards et al. 2015 PMID: 25741868, with internal and published modifications).